The following is an entry in ClinVar:

ClinVar aggregate classification (germline): Pathogenic/Likely pathogenic. Review status: criteria provided, multiple submitters, no conflicts (2 of 4 stars). 5 submissions from 5 submitters: Pathogenic (3); Likely pathogenic (2). Last evaluated 2026-01-20.

Conditions:
CEP290-related ciliopathy. Also called: CEP290 ciliopathy. Identifiers: MedGen CN305601, MONDO:0100451.
Nephronophthisis. Also called: Juvenile Nephronophthisis. Identifiers: Orphanet 655, MedGen C0687120, MONDO:0019005, HP:0000090.
Meckel-Gruber syndrome. Also called: GRUBER SYNDROME; DYSENCEPHALIA SPLANCHNOCYSTICA; Dysencephalia splachnocystica. Identifiers: Orphanet 564, MedGen C0265215, MONDO:0018921.
Joubert syndrome. Also called: JOUBERT-BOLTSHAUSER SYNDROME; Familial aplasia of the vermis. Identifiers: Orphanet 475, MedGen C5979921, MONDO:0018772.
Senior-Loken syndrome 6 (SLSN6). Identifiers: Orphanet 3156, MedGen C1857779, MONDO:0012433, OMIM 610189.
Bardet-Biedl syndrome 14 (BBS14). Identifiers: Orphanet 110, MedGen C2673874, MONDO:0014442, OMIM 615991.
Leber congenital amaurosis 10 (LCA10). Identifiers: Orphanet 65, MedGen C1857821, MONDO:0012723, OMIM 611755.
Meckel syndrome, type 4 (MKS4). Also called: MECKEL-GRUBER SYNDROME, TYPE 4. Identifiers: Orphanet 564, MedGen C1970161, MONDO:0012626, OMIM 611134.
Joubert syndrome 5 (JBTS5). Identifiers: Orphanet 2318, MedGen C1857780, MONDO:0012432, OMIM 610188.
Leber congenital amaurosis (LCA). Also called: Leber's amaurosis. Identifiers: Orphanet 65, MedGen C0339527, MeSH D057130, MONDO:0018998.

Submissions (5):

Myriad Genetics, Inc.
Classification: Pathogenic for CEP290-related ciliopathy. Last evaluated: 2026-01-20. Review status: criteria provided, single submitter. Criteria: Myriad Autosomal Dominant, Autosomal Recessive and X-Linked Classification Criteria (2023). Collection method: clinical testing. Allele origin: unknown.
Comment: NM_025114.3(CEP290):c.4621delA(T1541Pfs*9) is expected to be pathogenic in the context of CEP290-related disorders. This variant is predicted to lead to an abnormal or absent protein product due to the creation of a premature termination codon in CEP290, a gene where loss-of-function variants are known to be pathogenic. Please note: this variant was assessed in the context of healthy population screening.

Natera, Inc.
Classification: Likely pathogenic for Leber congenital amaurosis. Last evaluated: 2025-07-01. Review status: criteria provided, single submitter. Criteria: Natera Variant Classification Schema (03/2026). Collection method: clinical testing. Allele origin: germline.
Comment: The c.4621del variant in CEP290 is a frameshift variant predicted to shift the reading frame beginning at codon 1541 and leads to a stop codon 9 codons downstream. This variant is expected to result in nonsense mediated decay, truncation, or a dysfunctional protein product. This variant is rare in the general population with a frequency below the threshold expected for the associated phenotype(s). Given the available evidence, this variant is classified as Likely Pathogenic.

Labcorp Genetics (formerly Invitae), Labcorp
Classification: Pathogenic for Joubert syndrome; Meckel-Gruber syndrome; Nephronophthisis. Last evaluated: 2023-01-24. Review status: criteria provided, single submitter. Criteria: Invitae Variant Classification Sherloc (09022015). Collection method: clinical testing. Allele origin: germline.
Comment: This sequence change creates a premature translational stop signal (p.Thr1541Profs*9) in the CEP290 gene. It is expected to result in an absent or disrupted protein product. Loss-of-function variants in CEP290 are known to be pathogenic (PMID: 16909394, 17345604, 20690115). This variant is not present in population databases (gnomAD no frequency). This variant has not been reported in the literature in individuals affected with CEP290-related conditions. ClinVar contains an entry for this variant (Variation ID: 126260). For these reasons, this variant has been classified as Pathogenic.

Fulgent Genetics
Classification: Likely pathogenic for Joubert syndrome 5; Senior-Loken syndrome 6; Meckel syndrome, type 4; Leber congenital amaurosis 10; Bardet-Biedl syndrome 14. Last evaluated: 2022-01-15. Review status: criteria provided, single submitter. Criteria: ACMG Guidelines, 2015. Collection method: clinical testing. Allele origin: unknown.

Genetic Services Laboratory, University of Chicago
Classification: Pathogenic for Meckel Gruber syndrome. Last evaluated: 2013-12-11. Review status: criteria provided, single submitter. Criteria: ACMG Guidelines, 2007. Collection method: clinical testing. Allele origin: germline. Inheritance: Autosomal recessive inheritance. Affected: yes. Observed: 1 variant allele.

Literature cited by the submitters: PubMed 16909394 (cited by Labcorp Genetics (formerly Invitae), Labcorp); PubMed 17345604 (cited by Labcorp Genetics (formerly Invitae), Labcorp); PubMed 20690115 (cited by Labcorp Genetics (formerly Invitae), Labcorp).

NM_025114.4(CEP290):c.4621del (p.Thr1541fs)

Gene: CEP290 (centrosomal protein 290; minus strand). Cytogenetic location: 12q21.32.
Variant type: Deletion.
Coding change: c.4621del on transcript NM_025114.4 (MANE Select); coding-DNA position 4621, one base deleted (A; older notation c.4621delA).
Protein change: p.Thr1541fs; shifts the reading frame from threonine 1541.
Molecular consequence: frameshift variant.
Genome position (GRCh38, 1-based): chr12:88,084,669, T deleted on the plus strand (A on the coding strand, the reverse complement: CEP290 is on the minus strand); the first of 3 consecutive T bases (chr12:88,084,669-88,084,671); deleting any one gives the same sequence. VCF-style (leftmost placement, unchanged base first): chr12-88084668-GT-G. GRCh37 (hg19) VCF-style: chr12-88478445-GT-G.
Other names: short protein forms T1541fs.
Identifiers: ClinVar variation 126260 (VCV000126260.16), dbSNP rs587779733, ClinGen allele CA150913.